The following is an entry in ClinVar:

ClinVar aggregate classification (germline): Conflicting classifications of pathogenicity. Review status: criteria provided, conflicting classifications (1 of 4 stars). 4 submissions from 4 submitters: Uncertain significance (3); Likely benign (1). Last evaluated 2025-08-15.

Conditions:
Kabuki syndrome 2 (KABUK2). Also called: KDM6A-Related Kabuki Syndrome. Identifiers: Orphanet 2322, MedGen C3275495, MONDO:0010465, OMIM 300867.

Allele frequency attached by ClinVar (database versions not stated): TOPMed below 0.00001; gnomAD exomes 0.00001; ESP Exome Variant Server 0.00009.
gnomAD v4.1: 9 of 1,210,070 alleles (0.00074%); highest among the groups gnomAD compares: Middle Eastern, 0.023%; no homozygotes.

Submissions (4):

Labcorp Genetics (formerly Invitae), Labcorp
Classification: Uncertain significance for Kabuki syndrome 2. Last evaluated: 2025-08-15. Review status: criteria provided, single submitter. Criteria: Invitae Variant Classification Sherloc (09022015). Collection method: clinical testing. Allele origin: germline.
Comment: This sequence change replaces arginine, which is basic and polar, with glutamine, which is neutral and polar, at codon 1351 of the KDM6A protein (p.Arg1351Gln). This variant is present in population databases (rs370765411, gnomAD 0.003%). This variant has not been reported in the literature in individuals affected with KDM6A-related conditions. ClinVar contains an entry for this variant (Variation ID: 158691). Invitae Evidence Modeling of protein sequence and biophysical properties (such as structural, functional, and spatial information, amino acid conservation, physicochemical variation, residue mobility, and thermodynamic stability) indicates that this missense variant is not expected to disrupt KDM6A protein function with a negative predictive value of 80%. In summary, the available evidence is currently insufficient to determine the role of this variant in disease. Therefore, it has been classified as a Variant of Uncertain Significance.

CeGaT Center for Human Genetics Tuebingen
Classification: Likely benign. Last evaluated: 2023-03-01. Review status: criteria provided, single submitter. Criteria: CeGaT Center For Human Genetics Tuebingen Variant Classification Criteria Version 2. Collection method: clinical testing. Allele origin: germline. Affected: yes. Observed: 3 variant alleles.
Comment: KDM6A: BP4, BS2

Eurofins Ntd Llc (ga)
Classification: Uncertain significance. Last evaluated: 2015-03-26. Review status: criteria provided, single submitter. Criteria: EGL Classification Definitions 2015. Collection method: clinical testing. Allele origin: germline. Observed: 2 variant alleles, 2 heterozygotes.

Genetic Services Laboratory, University of Chicago
Classification: Uncertain significance for Kabuki syndrome 2. Last evaluated: 2014-05-19. Review status: criteria provided, single submitter. Criteria: ACMG Guidelines, 2015. Collection method: clinical testing. Allele origin: germline. Inheritance: Autosomal dominant inheritance.

NM_001291415.2(KDM6A):c.4208G>A (p.Arg1403Gln)

Gene: KDM6A (lysine demethylase 6A; plus strand). Cytogenetic location: Xp11.3.
Variant type: single nucleotide variant.
Coding change: c.4208G>A on transcript NM_001291415.2 (MANE Select); coding-DNA position 4208, G replaced by A.
Protein change: p.Arg1403Gln; replaces arginine 1403 with glutamine.
Molecular consequence: missense variant. On other transcripts: non-coding transcript variant (1).
Genome position (GRCh38, 1-based): chrX:45,110,125, G>A. VCF-style: chrX-45110125-G-A. GRCh37 (hg19) VCF-style: chrX-44969370-G-A.
Other names: c.4073G>A, p.Arg1358Gln (NM_001291416.2); c.3917G>A, p.Arg1306Gln (NM_001291417.2); c.3815G>A, p.Arg1272Gln (NM_001291418.2); c.3164G>A, p.Arg1055Gln (NM_001291421.2); c.4052G>A, p.Arg1351Gln (NM_021140.4); short protein forms R1351Q, R1403Q, R1306Q, R1358Q, R1055Q, R1272Q.
Identifiers: ClinVar variation 158691 (VCV000158691.38), dbSNP rs370765411, ClinGen allele CA172363.